The following is an entry in ClinVar:

NM_017433.5(MYO3A):c.4294-12C>T

Gene: MYO3A (myosin IIIA; plus strand). Cytogenetic location: 10p12.1.
Variant type: single nucleotide variant.
Coding change: c.4294-12C>T on transcript NM_017433.5 (MANE Select); 12 bases into the intron before coding-DNA position 4294, C replaced by T.
Molecular consequence: intron variant.
Genome position (GRCh38, 1-based): chr10:26,176,689, C>T. VCF-style: chr10-26176689-C-T. GRCh37 (hg19) VCF-style: chr10-26465618-C-T.
Identifiers: ClinVar variation 2121172 (VCV002121172.4), dbSNP rs2493995730, ClinGen allele CA2580081409.

ClinVar aggregate classification (germline): Uncertain significance (1 of 4 stars; one submission).

Allele frequency attached by ClinVar (database versions not stated): gnomAD exomes below 0.00001.
gnomAD v4.1: 1 of 1,605,258 alleles (0.000062%); highest among the groups gnomAD compares: Non-Finnish European, 0.000085%; no homozygotes.

Submission:

Labcorp Genetics (formerly Invitae), Labcorp
Classification: Uncertain significance. Last evaluated: 2022-04-26. Review status: criteria provided, single submitter. Criteria: Invitae Variant Classification Sherloc (09022015). Collection method: clinical testing. Allele origin: germline.
Comment: Algorithms developed to predict the effect of sequence changes on RNA splicing suggest that this variant may create or strengthen a splice site. This sequence change falls in intron 30 of the MYO3A gene. It does not directly change the encoded amino acid sequence of the MYO3A protein. This variant is not present in population databases (gnomAD no frequency). This variant has not been reported in the literature in individuals affected with MYO3A-related conditions. In summary, the available evidence is currently insufficient to determine the role of this variant in disease. Therefore, it has been classified as a Variant of Uncertain Significance.